The following is an entry in ClinVar:

NM_020778.5(ALPK3):c.2678G>A (p.Ser893Asn)

Gene: ALPK3 (alpha kinase 3; plus strand). Cytogenetic location: 15q25.3.
Variant type: single nucleotide variant.
Coding change: c.2678G>A on transcript NM_020778.5 (MANE Select); coding-DNA position 2678, G replaced by A.
Protein change: p.Ser893Asn; replaces serine 893 with asparagine.
Molecular consequence: missense variant.
Genome position (GRCh38, 1-based): chr15:84,857,416, G>A. VCF-style: chr15-84857416-G-A. GRCh37 (hg19) VCF-style: chr15-85400647-G-A.
Other names: short protein forms S893N.
Identifiers: ClinVar variation 1729775 (VCV001729775.4), dbSNP rs757510260, ClinGen allele CA7709473.

ClinVar aggregate classification (germline): Uncertain significance. Review status: criteria provided, multiple submitters, no conflicts (2 of 4 stars). 2 submissions from 2 submitters: Uncertain significance (2). Last evaluated 2025-12-15.

Conditions:
Cardiovascular phenotype. Identifiers: MedGen CN230736.

Allele frequency attached by ClinVar (database versions not stated): ExAC 0.00001.

Submissions (2):

Labcorp Genetics (formerly Invitae), Labcorp
Classification: Uncertain significance. Last evaluated: 2025-12-15. Review status: criteria provided, single submitter. Criteria: Invitae Variant Classification Sherloc (09022015). Collection method: clinical testing. Allele origin: germline.
Comment: This sequence change replaces serine, which is neutral and polar, with asparagine, which is neutral and polar, at codon 1095 of the ALPK3 protein (p.Ser1095Asn). The frequency data for this variant in the population databases is considered unreliable, as metrics indicate poor data quality at this position in the gnomAD database. This variant has not been reported in the literature in individuals affected with ALPK3-related conditions. ClinVar contains an entry for this variant (Variation ID: 1729775). Invitae Evidence Modeling of protein sequence and biophysical properties (such as structural, functional, and spatial information, amino acid conservation, physicochemical variation, residue mobility, and thermodynamic stability) indicates that this missense variant is not expected to disrupt ALPK3 protein function with a negative predictive value of 80%. In summary, the available evidence is currently insufficient to determine the role of this variant in disease. Therefore, it has been classified as a Variant of Uncertain Significance.

Ambry Genetics
Classification: Uncertain significance for Cardiovascular phenotype. Last evaluated: 2021-11-19. Review status: criteria provided, single submitter. Criteria: Ambry Variant Classification Scheme 2023. Collection method: clinical testing. Allele origin: germline.
Comment: The p.S1095N variant (also known as c.3284G>A), located in coding exon 6 of the ALPK3 gene, results from a G to A substitution at nucleotide position 3284. The serine at codon 1095 is replaced by asparagine, an amino acid with highly similar properties. This amino acid position is conserved. In addition, this alteration is predicted to be tolerated by in silico analysis. Since supporting evidence is limited at this time, the clinical significance of this alteration remains unclear.